The following is an entry in ClinVar:

ClinVar aggregate classification (germline): Conflicting classifications of pathogenicity. Review status: criteria provided, conflicting classifications (1 of 4 stars). 4 submissions from 4 submitters: Uncertain significance (3); Likely benign (1). Last evaluated 2025-12-09.

Conditions:
Tuberous sclerosis 2 (TSC2). Identifiers: Orphanet 805, MedGen C1860707, MONDO:0013199, OMIM 613254.
Isolated focal cortical dysplasia type II (FCORD2). Also called: Focal cortical dysplasia type II; CORTICAL DYSPLASIA OF TAYLOR. Identifiers: Orphanet 268994, MedGen C1846385, MONDO:0011818, OMIM 607341, HP:0032051.
Hereditary cancer-predisposing syndrome. Also called: Tumor predisposition; Neoplastic Syndromes, Hereditary; Hereditary Cancer Syndrome; Hereditary neoplastic syndrome. Identifiers: Orphanet 140162, MedGen C0027672, MeSH D009386, MONDO:0015356.
Tuberous sclerosis syndrome (TSC). Also called: Tuberous Sclerosis Complex; Tuberous sclerosis. Identifiers: Orphanet 805, MedGen C0041341, MONDO:0001734.

Submissions (4):

Ambry Genetics
Classification: Uncertain significance for Hereditary cancer-predisposing syndrome. Last evaluated: 2025-12-09. Review status: criteria provided, single submitter. Criteria: Ambry Variant Classification Scheme 2023. Collection method: clinical testing. Allele origin: germline.

Labcorp Genetics (formerly Invitae), Labcorp
Classification: Uncertain significance for Tuberous sclerosis 2. Last evaluated: 2025-11-09. Review status: criteria provided, single submitter. Criteria: Invitae Variant Classification Sherloc (09022015). Collection method: clinical testing. Allele origin: germline.
Comment: This sequence change replaces threonine, which is neutral and polar, with methionine, which is neutral and non-polar, at codon 36 of the TSC2 protein (p.Thr36Met). This variant is not present in population databases (gnomAD no frequency). This variant has not been reported in the literature in individuals affected with TSC2-related conditions. ClinVar contains an entry for this variant (Variation ID: 1061710). Invitae Evidence Modeling of protein sequence and biophysical properties (such as structural, functional, and spatial information, amino acid conservation, physicochemical variation, residue mobility, and thermodynamic stability) indicates that this missense variant is not expected to disrupt TSC2 protein function with a negative predictive value of 95%. In summary, the available evidence is currently insufficient to determine the role of this variant in disease. Therefore, it has been classified as a Variant of Uncertain Significance.

3billion
Classification: Likely benign for Isolated focal cortical dysplasia type II; Tuberous sclerosis 2. Last evaluated: 2024-09-20. Review status: criteria provided, single submitter. Criteria: ACMG Guidelines, 2015. Collection method: clinical testing. Allele origin: germline. Affected: no.
Comment: The variant was identified in at least one patient who was diagnosed with a different variant in another gene and showed no symptoms related to the gene containing the variant in question.

All of Us Research Program, National Institutes of Health
Classification: Uncertain significance for Tuberous sclerosis syndrome. Last evaluated: 2023-06-26. Review status: criteria provided, single submitter. Criteria: ACMG Guidelines, 2015. Collection method: clinical testing. Allele origin: germline. Inheritance: Autosomal dominant inheritance. Observed: 1 variant allele, 1 heterozygote.
Comment: This missense variant replaces threonine with methionine at codon 36 of the TSC2 protein. Computational prediction suggests that this variant may not impact protein structure and function (internally defined REVEL score threshold <= 0.5, PMID: 27666373). To our knowledge, functional studies have not been reported for this variant. This variant has not been reported in individuals affected with TSC2-related disorders in the literature. This variant has not been identified in the general population by the Genome Aggregation Database (gnomAD). The available evidence is insufficient to determine the role of this variant in disease conclusively. Therefore, this variant is classified as a Variant of Uncertain Significance.

This study involves interpretation of variants in research participants for the purpose of population health screening. Participant phenotype was not available at the time of variant classification. Additional details can be found in publication PMID: 35346344, PMCID: PMC8962531

NM_000548.5(TSC2):c.107C>T (p.Thr36Met)

Gene: TSC2 (TSC complex subunit 2; plus strand). Cytogenetic location: 16p13.3.
Variant type: single nucleotide variant.
Coding change: c.107C>T on transcript NM_000548.5 (MANE Select); coding-DNA position 107, C replaced by T.
Protein change: p.Thr36Met; replaces threonine 36 with methionine.
Molecular consequence: missense variant. On other transcripts: 5 prime UTR variant (1), intron variant (1).
Genome position (GRCh38, 1-based): chr16:2,048,722, C>T. VCF-style: chr16-2048722-C-T. GRCh37 (hg19) VCF-style: chr16-2098723-C-T.
Other names: c.107C>T, p.Thr36Met (NM_001077183.3, NM_001114382.3, NM_001318827.2 and 4 more transcripts); c.-120C>T (NM_001318831.2); c.140C>T, p.Thr47Met (NM_001318832.2); c.-10+657C>T (NM_001318829.2); c.107C>T (NM_000548.3); short protein forms T36M, T47M.
Identifiers: ClinVar variation 1061710 (VCV001061710.13), dbSNP rs376280172, ClinGen allele CA276768616.